The following is an entry in ClinVar:

ClinVar aggregate classification (germline): Uncertain significance (1 of 4 stars; one submission).

Conditions:
Polycystic kidney disease 4 (PKD4). Also called: POLYCYSTIC KIDNEY AND HEPATIC DISEASE 1; POLYCYSTIC KIDNEY DISEASE, INFANTILE, TYPE I; PKD3; POLYCYSTIC KIDNEY DISEASE 4 WITH OR WITHOUT POLYCYSTIC LIVER DISEASE; Autosomal Recessive Polycystic Kidney Disease – PKHD1. Identifiers: MedGen C4540575, MONDO:0033004, OMIM 263200.

Submission:

Neuberg Centre For Genomic Medicine, NCGM
Classification: Uncertain significance for Polycystic kidney disease 4. Last evaluated: 2023-02-14. Review status: criteria provided, single submitter. Criteria: ACMG Guidelines, 2015. Collection method: clinical testing. Allele origin: germline. Inheritance: Autosomal recessive inheritance. Affected: yes.
Comment: The missense c.93C>A(p.Ser31Arg) variant in PKHD1 gene has not been reported previously as a pathogenic variant nor as a benign variant, to our knowledge. The p.Ser31Arg variant is novel (not in any individuals) in gnomAD Exomes and 1000 Genomes. This variant has not been reported to the ClinVar database. The amino acid change p.Ser31Arg in PKHD1 is predicted as conserved by GERP++. The amino acid Ser at position 31 is changed to a Arg changing protein sequence and it might alter its composition and physico-chemical properties. For these reasons, this variant has been classified as Variant of Uncertain Significance (VUS).

NM_138694.4(PKHD1):c.93C>A (p.Ser31Arg)

Gene: PKHD1 (PKHD1 ciliary IPT domain containing fibrocystin/polyductin; minus strand). Cytogenetic location: 6p12.2.
Variant type: single nucleotide variant.
Coding change: c.93C>A on transcript NM_138694.4 (MANE Select); coding-DNA position 93, C replaced by A.
Protein change: p.Ser31Arg; replaces serine 31 with arginine.
Molecular consequence: missense variant.
Genome position (GRCh38, 1-based): chr6:52,083,215, G>T on the plus strand (C>A on the coding strand, the complement: PKHD1 is on the minus strand). VCF-style: chr6-52083215-G-T. GRCh37 (hg19) VCF-style: chr6-51948013-G-T.
Other names: c.93C>A, p.Ser31Arg (NM_170724.3); short protein forms S31R.
Identifiers: ClinVar variation 2671719 (VCV002671719.1), dbSNP rs2533776667, ClinGen allele CA364440953.